The following is an entry in ClinVar:

ClinVar aggregate classification (germline): Pathogenic/Likely pathogenic. Review status: criteria provided, multiple submitters, no conflicts (2 of 4 stars). 3 submissions from 3 submitters: Pathogenic (1); Likely pathogenic (2). Last evaluated 2025-05-07.

Conditions:
Marfan syndrome (MFS). Also called: Marfan syndrome, classic; FBN1-Related Marfan Syndrome; Marfan syndrome type 1; Marfan's syndrome; MARFAN SYNDROME, TYPE I. Identifiers: Orphanet 284963, Orphanet 558, MedGen C0024796, MONDO:0007947, OMIM 154700.
Familial thoracic aortic aneurysm and aortic dissection (TAAD). Also called: Thoracic aortic aneurysms and dissections. Identifiers: Orphanet 91387, MedGen C4707243, MONDO:0019625.

Submissions (3):

GeneDx
Classification: Likely pathogenic. Last evaluated: 2025-05-07. Review status: criteria provided, single submitter. Criteria: GeneDx Variant Classification Process June 2021. Collection method: clinical testing. Allele origin: germline. Affected: yes.
Comment: Identified in a patient with syndromic thoracic aortic aneurysm and dissection (TAAD) in published literature (PMID: 36517271); Affects a cysteine residue within an EGF-like domain of the FBN1 gene, which may affect disulfide bonding and is predicted to alter the structure and function of the protein; cysteine substitutions in the EGF-like domains represent the majority of pathogenic missense changes associated with FBN1-related disorders (PMID: 12938084); Not observed at significant frequency in large population cohorts (gnomAD); In silico analysis supports that this missense variant has a deleterious effect on protein structure/function; This variant is associated with the following publications: (PMID: 36625546, 36517271, 12938084)

Labcorp Genetics (formerly Invitae), Labcorp
Classification: Pathogenic for Marfan syndrome; Familial thoracic aortic aneurysm and aortic dissection. Last evaluated: 2022-02-20. Review status: criteria provided, single submitter. Criteria: Invitae Variant Classification Sherloc (09022015). Collection method: clinical testing. Allele origin: germline.
Comment: Advanced modeling of protein sequence and biophysical properties (such as structural, functional, and spatial information, amino acid conservation, physicochemical variation, residue mobility, and thermodynamic stability) performed at Invitae indicates that this missense variant is expected to disrupt FBN1 protein function. This sequence change replaces cysteine, which is neutral and slightly polar, with tyrosine, which is neutral and polar, at codon 2170 of the FBN1 protein (p.Cys2170Tyr). This variant is not present in population databases (gnomAD no frequency). This missense change has been observed in individual(s) with clinical features of Marfan syndrome (Invitae). ClinVar contains an entry for this variant (Variation ID: 163467). This variant affects a cysteine residue in the EGF-like, TGFBP or hybrid motif domains of FBN1. Cysteine residues are believed to be involved in intramolecular disulfide bridges and have been shown to be important for FBN1 protein structure (PMID: 16905551, 19349279). In addition, missense substitutions affecting cysteine residues within these domains are significantly overrepresented among patients with Marfan syndrome (PMID: 16571647, 17701892). This variant disrupts the p.Cys2170 amino acid residue in FBN1. Other variant(s) that disrupt this residue have been observed in individuals with FBN1-related conditions (PMID: 17253931, 27906200), which suggests that this may be a clinically significant amino acid residue. For these reasons, this variant has been classified as Pathogenic.

Laboratory for Molecular Medicine, Mass General Brigham Personalized Medicine
Classification: Likely pathogenic for Marfan syndrome. Last evaluated: 2018-03-15. Review status: criteria provided, single submitter. Criteria: LMM Criteria. Collection method: clinical testing. Allele origin: germline. Observed: 1 variant allele.
Comment: This variant affects a cysteine residue; cyst eine substitutions are a common finding in individuals with Marfan syndrome (Sch rijver, 1999). Two other variants involving this residue, p.Cys2170Phe and p.Cys 2170Ser, have been associated with Marfan syndrome (Ng 2002, Tjeldhorn 2006), su ggesting that changes at this position are not tolerated. Computational predict ion tools and conservation analysis suggest that the p.Cys2170Tyr variant may im pact the protein, though this information is not predictive enough to determine pathogenicity. In summary, although additional studies are required to fully est ablish its clinical significance, the p.Cys2170Tyr variant is likely pathogenic. ACMG/AMP Criteria applied: PM1; PM2; PM6; PP3; PP4.

Literature cited by the submitters: PubMed 16905551 (cited by Labcorp Genetics (formerly Invitae), Labcorp); PubMed 19349279 (cited by Labcorp Genetics (formerly Invitae), Labcorp); PubMed 16571647 (cited by Labcorp Genetics (formerly Invitae), Labcorp); PubMed 17701892 (cited by Labcorp Genetics (formerly Invitae), Labcorp); PubMed 17253931 (cited by Labcorp Genetics (formerly Invitae), Labcorp and Laboratory for Molecular Medicine, Mass General Brigham Personalized Medicine); PubMed 27906200 (cited by Labcorp Genetics (formerly Invitae), Labcorp); PubMed 11875032 (cited by Laboratory for Molecular Medicine, Mass General Brigham Personalized Medicine); PubMed 10486319 (cited by Laboratory for Molecular Medicine, Mass General Brigham Personalized Medicine).

NM_000138.5(FBN1):c.6509G>A (p.Cys2170Tyr)

Gene: FBN1 (fibrillin 1; minus strand). Cytogenetic location: 15q21.1.
Variant type: single nucleotide variant.
Coding change: c.6509G>A on transcript NM_000138.5 (MANE Select); coding-DNA position 6509, G replaced by A.
Protein change: p.Cys2170Tyr; replaces cysteine 2170 with tyrosine.
Molecular consequence: missense variant.
Genome position (GRCh38, 1-based): chr15:48,434,701, C>T on the plus strand (G>A on the coding strand, the complement: FBN1 is on the minus strand). VCF-style: chr15-48434701-C-T. GRCh37 (hg19) VCF-style: chr15-48726898-C-T.
Other names: short protein forms C2170Y.
Identifiers: ClinVar variation 163467 (VCV000163467.9), dbSNP rs363821, ClinGen allele CA016539.